The following is an entry in ClinVar:

NM_003482.4(KMT2D):c.3758A>G (p.Asp1253Gly)

Genes: KMT2D (lysine methyltransferase 2D; minus strand), LOC126861520 (CDK7 strongly-dependent group 2 enhancer GRCh37_chr12:49442744-49443943; plus strand). Cytogenetic location: 12q13.12.
Variant type: single nucleotide variant.
Coding change: c.3758A>G on transcript NM_003482.4 (MANE Select); coding-DNA position 3758, A replaced by G.
Protein change: p.Asp1253Gly; replaces aspartic acid 1253 with glycine.
Molecular consequence: missense variant.
Genome position (GRCh38, 1-based): chr12:49,049,830, T>C on the plus strand (A>G on the coding strand, the complement: KMT2D is on the minus strand). VCF-style: chr12-49049830-T-C. GRCh37 (hg19) VCF-style: chr12-49443613-T-C.
Other names: short protein forms D1253G.
Identifiers: ClinVar variation 2005259 (VCV002005259.4), dbSNP rs2120641270, ClinGen allele CA384653656.

ClinVar aggregate classification (germline): Uncertain significance (1 of 4 stars; one submission).

Conditions:
Kabuki syndrome. Also called: NIIKAWA-KUROKI SYNDROME; Kabuki make-up syndrome. Identifiers: Orphanet 2322, MedGen C0796004, MONDO:0016512.

Submission:

Labcorp Genetics (formerly Invitae), Labcorp
Classification: Uncertain significance for Kabuki syndrome. Last evaluated: 2022-06-19. Review status: criteria provided, single submitter. Criteria: Invitae Variant Classification Sherloc (09022015). Collection method: clinical testing. Allele origin: germline.
Comment: In summary, the available evidence is currently insufficient to determine the role of this variant in disease. Therefore, it has been classified as a Variant of Uncertain Significance. Advanced modeling of protein sequence and biophysical properties (such as structural, functional, and spatial information, amino acid conservation, physicochemical variation, residue mobility, and thermodynamic stability) performed at Invitae indicates that this missense variant is not expected to disrupt KMT2D protein function. This variant has not been reported in the literature in individuals affected with KMT2D-related conditions. This variant is not present in population databases (gnomAD no frequency). This sequence change replaces aspartic acid, which is acidic and polar, with glycine, which is neutral and non-polar, at codon 1253 of the KMT2D protein (p.Asp1253Gly).